The following is an entry in ClinVar:

NM_001371727.1(GABRB2):c.558T>A (p.Asp186Glu)

Gene: GABRB2 (gamma-aminobutyric acid type A receptor subunit beta2; minus strand). Cytogenetic location: 5q34.
Variant type: single nucleotide variant.
Coding change: c.558T>A on transcript NM_001371727.1 (MANE Select); coding-DNA position 558, T replaced by A.
Protein change: p.Asp186Glu; replaces aspartic acid 186 with glutamic acid.
Molecular consequence: missense variant.
Genome position (GRCh38, 1-based): chr5:161,336,753, A>T on the plus strand (T>A on the coding strand, the complement: GABRB2 is on the minus strand). VCF-style: chr5-161336753-A-T. GRCh37 (hg19) VCF-style: chr5-160763760-A-T.
Other names: c.558T>A, p.Asp186Glu (NM_000813.3, NM_021911.3); short protein forms D186E.
Identifiers: ClinVar variation 3778604 (VCV003778604.7).
Genomic context (GRCh38, chr5:161,336,753, plus strand): 5'-TTCAATTTTCGTTACTCCTGTTACTGCATTATCATCGCCACGCCAGTAAAACTCAATGTC[A>T]TCAGTTGTGTATCCATCTGTGAAAGGAAACATACACACACACACACACAAATACAGAAAA-3'
Protein context (NP_001358656.1, residues 176-196): LEIESYGYTT[Asp186Glu]DIEFYWRGDD

ClinVar aggregate classification (germline): Uncertain significance (1 of 4 stars; one submission).

Submission:

CeGaT Center for Human Genetics Tuebingen
Classification: Uncertain significance. Last evaluated: 2025-03-01. Review status: criteria provided, single submitter. Criteria: CeGaT Center For Human Genetics Tuebingen Variant Classification Criteria Version 2. Collection method: clinical testing. Allele origin: germline. Affected: yes. Observed: 1 variant allele.
Comment: GABRB2: PM2, PP2